The following is an entry in ClinVar:

ClinVar aggregate classification (germline): Uncertain significance (1 of 4 stars; one submission).

Submission:

Ambry Genetics
Classification: Uncertain significance. Last evaluated: 2026-02-24. Review status: criteria provided, single submitter. Criteria: Ambry Variant Classification Scheme 2023. Collection method: clinical testing. Allele origin: germline.
Comment: The p.G1309R variant (also known as c.3925G>C), located in coding exon 18 of the WNK2 gene, results from a G to C substitution at nucleotide position 3925. The glycine at codon 1309 is replaced by arginine, an amino acid with dissimilar properties. This amino acid position is conserved. In addition, the in silico prediction for this alteration is inconclusive. Based on the available evidence, the clinical significance of this variant remains unclear.

NM_006648.4(WNK2):c.3925G>C (p.Gly1309Arg)

Gene: WNK2 (WNK lysine deficient protein kinase 2; plus strand). Cytogenetic location: 9q22.31.
Variant type: single nucleotide variant.
Coding change: c.3925G>C on transcript NM_006648.4 (MANE Select); coding-DNA position 3925, G replaced by C.
Protein change: p.Gly1309Arg; replaces glycine 1309 with arginine.
Molecular consequence: missense variant.
Genome position (GRCh38, 1-based): chr9:93,268,638, G>C. VCF-style: chr9-93268638-G-C. GRCh37 (hg19) VCF-style: chr9-96030920-G-C.
Other names: c.3925G>C, p.Gly1309Arg (NM_001282394.3); short protein forms G1309R.
Identifiers: ClinVar variation 4826215 (VCV004826215.1).